The following is an entry in ClinVar:

NM_203446.3(SYNJ1):c.686A>G (p.Asn229Ser)

Gene: SYNJ1 (synaptojanin 1; minus strand). Cytogenetic location: 21q22.11.
Variant type: single nucleotide variant.
Coding change: c.686A>G on transcript NM_203446.3 (MANE Select); coding-DNA position 686, A replaced by G.
Protein change: p.Asn229Ser; replaces asparagine 229 with serine.
Molecular consequence: missense variant.
Genome position (GRCh38, 1-based): chr21:32,695,076, T>C on the plus strand (A>G on the coding strand, the complement: SYNJ1 is on the minus strand). VCF-style: chr21-32695076-T-C. GRCh37 (hg19) VCF-style: chr21-34067386-T-C.
Other names: c.686A>G, p.Asn229Ser (NM_001160302.2, NM_001160306.2); c.803A>G, p.Asn268Ser (NM_003895.4); short protein forms N229S, N268S.
Identifiers: ClinVar variation 1908591 (VCV001908591.4), dbSNP rs2516841569, ClinGen allele CA410098051.
Genomic context (GRCh38, chr21:32,695,076, plus strand): 5'-CTATAATAAATTAATTAAGTAATATAAAACACTATATATACCTGTTCTGTTTCTACAAAA[T>C]TGGCAACATGACCATCATCATTTGTTCCCCGGACATTAAACCTGGTCCCAGCTCGTTCAC-3'
Protein context (NP_982271.3, residues 219-239): RGTNDDGHVA[Asn229Ser]FVETEQVVYL

ClinVar aggregate classification (germline): Uncertain significance (1 of 4 stars; one submission).

Conditions:
Developmental and epileptic encephalopathy, 53. Also called: Epileptic encephalopathy, early infantile, 53. Identifiers: MedGen C4479313, MONDO:0033362, OMIM 617389.
Early-onset Parkinson disease 20. Also called: PARKINSON DISEASE 20, AUTOSOMAL RECESSIVE EARLY-ONSET. Identifiers: Orphanet 391411, MedGen C3809824, MONDO:0014233, OMIM 615530.

Submission:

Labcorp Genetics (formerly Invitae), Labcorp
Classification: Uncertain significance for Developmental and epileptic encephalopathy, 53; Early-onset Parkinson disease 20. Last evaluated: 2024-02-05. Review status: criteria provided, single submitter. Criteria: Invitae Variant Classification Sherloc (09022015). Collection method: clinical testing. Allele origin: germline.
Comment: This sequence change replaces asparagine, which is neutral and polar, with serine, which is neutral and polar, at codon 268 of the SYNJ1 protein (p.Asn268Ser). This variant is not present in population databases (gnomAD no frequency). This variant has not been reported in the literature in individuals affected with SYNJ1-related conditions. ClinVar contains an entry for this variant (Variation ID: 1908591). Advanced modeling of protein sequence and biophysical properties (such as structural, functional, and spatial information, amino acid conservation, physicochemical variation, residue mobility, and thermodynamic stability) performed at Invitae indicates that this missense variant is expected to disrupt SYNJ1 protein function with a positive predictive value of 80%. In summary, the available evidence is currently insufficient to determine the role of this variant in disease. Therefore, it has been classified as a Variant of Uncertain Significance.